The following continues an entry in ClinVar:

NM_002834.5(PTPN11):c.1505C>T (p.Ser502Leu)

Gene: PTPN11. ClinVar aggregate classification (germline): Pathogenic. Pathogenic (11). ClinVar aggregate classification (somatic clinical impact): Tier II - Potential.

Submissions 9 to 15 of 15:

Women's Health and Genetics/Laboratory Corporation of America, LabCorp
Classification: Pathogenic for RASopathy. Last evaluated: 2021-05-31. Review status: criteria provided, single submitter. Criteria: LabCorp Variant Classification Summary - May 2015. Collection method: clinical testing. Allele origin: germline.
Comment: Variant summary: PTPN11 c.1505C>T (p.Ser502Leu) results in a non-conservative amino acid change located in the Protein-tyrosine phosphatase, catalytic domain of the encoded protein sequence. Five of five in-silico tools predict a damaging effect of the variant on protein function. Additionally, there are several variants associated with disease at the same codon or surrounding codons (e.g., S502A, S502T, R501K, and G503A), suggesting the region is important for protein function. Serine at position 502 interacts with Glutamate at position 76 in the SH2 domain, leading to autoinhibition of PTPN11, and mutational hotspot variants at Serine 502 or Glutamate 76 were shown to activate PTPN11 (example, Chan_2007, PMID 17053061). The variant was absent in 252092 control chromosomes. c.1505C>T has been reported in the literature in multiple individuals affected with Noonan Syndrome (example, Tartaglia_2006, Bertola_2006, Ezquieta_2012, Strullu_2014, Ko_2008, O'Halloran_2017). At-least one report of a reportedly de-novo occurrence was ascertained in the context of this evaluation (Ezquieta_2012). These data indicate that the variant is very likely to be associated with disease. To our knowledge, no variant specific experimental evidence demonstrating an impact on protein function has been reported. Two clinical diagnostic laboratories have submitted clinical-significance assessments for this variant to ClinVar after 2014 without evidence for independent evaluation. All laboratories classified the variant as pathogenic (n=2)/likely pathogenic (n=1). Based on the evidence outlined above, the variant was classified as pathogenic.

Blueprint Genetics
Classification: Pathogenic for PTPN11-related disorders. Last evaluated: 2020-12-04. Review status: criteria provided, single submitter. Criteria: ACMG Guidelines, 2015. Collection method: clinical testing. Allele origin: germline. Affected: yes. Observed: 1 variant allele.

Laboratory for Molecular Medicine, Mass General Brigham Personalized Medicine
Classification: Pathogenic for Noonan syndrome. Last evaluated: 2013-01-15. Review status: criteria provided, single submitter. Criteria: LMM Criteria. Collection method: clinical testing. Allele origin: germline. Inheritance: Autosomal dominant inheritance. Observed: 3 variant alleles.
Comment: The Ser502Leu variant has been reported in the literature in two individuals wit h clinical features of Noonan syndrome and/or LEOPARD syndrome (Tartaglia 2006, Ko 2008). This variant has also been identified as a somatic variant in individua ls with hematologic malignancies including AML and ALL (Goemans 2005, Paulsson 2 007). In addition, three other amino acid changes at this location (Ser502Thr, Ser502Pro, Ser502Ala) have been associated with the clinical features of Noonan syndrome and have also been identified as somatic variants in individuals with h ematologic malignancies (Aoki 2008). The Ser502 residue is conserved across spec ies and computational analyses (biochemical amino acid properties, AlignGVGD, Po lyPhen2, and SIFT) suggest that the Ser502Leu variant may impact the normal func tion of the protein. In summary, this variant meets our criteria to be classifie d as pathogenic based upon the de novo occurrenc e combined with available published literature.

Juno Genomics, Hangzhou Juno Genomics, Inc
Classification: Pathogenic for Noonan syndrome 1. Review status: criteria provided, single submitter. Criteria: ACMG Guidelines, 2015. Collection method: clinical testing. Allele origin: germline. Affected: yes.
Comment: Absent from controls (or at extremely low frequency if recessive) in Genome Aggregation Database, Exome Sequencing Project, 1000 Genomes Project, or Exome Aggregation Consortium.;The prevalence of the variant in affected individuals is significantly increased compared to the prevalence in controls.;De novo (both maternity and paternity confirmed) in a patient with the disease and no family history.;Missense variant in a gene that has a low rate of benign missense variation and where missense variants are a common mechanism of disease.;Multiple lines of computational evidence support a deleterious effect on the gene or gene product (conservation, evolutionary, splicing impact, etc).

Prenatal Genetic Diagnosis Laboratory, The Chinese University of Hong Kong
Classification: Pathogenic for Noonan syndrome 1. Last evaluated: 2021-07-22. Review status: no assertion criteria provided. Collection method: clinical testing. Allele origin: de novo. Affected: yes. Not counted in ClinVar's aggregate classification.
Comment: This variant c.1505C>T(p.S502L) has been reported in multiple unrelated pateints with Noonan spectrum disorders [PMID: 22465605, 17020470, 32164556, 26918529, 28991257, 24803665, 29907801, 15385933, 30287924] and was reported to be de novo in at least one case (PS2). Missense variants in the same residue and nearby residues have been reported in multiple individuals with Noonan spectrum disorders (PMID: 16358218, 26242988, 23832011) (PM1). This variant is currently absent in the gnomAD database (PM2). Computational evidence support a deleterious effect on the gene product (PP3). This variant has been classified as pathogenic by multiple labs in ClinVar [Variation ID: 40557] (PP5). This variant is interpreted as pathogenic according to ACMG/AMP guidelines.

Diagnostic Laboratory, Department of Genetics, University Medical Center Groningen
Classification: Pathogenic. Review status: no assertion criteria provided. Collection method: clinical testing. Allele origin: germline. Affected: yes. Study: VKGL Data-share Consensus. Not counted in ClinVar's aggregate classification.

Joint Genome Diagnostic Labs from Nijmegen and Maastricht, Radboudumc and MUMC+
Classification: Pathogenic. Review status: no assertion criteria provided. Collection method: clinical testing. Allele origin: germline. Affected: yes. Study: VKGL Data-share Consensus. Not counted in ClinVar's aggregate classification.

Literature cited by the submitters: PubMed 21533187 (cited by Victorian Clinical Genetics Services, Murdoch Childrens Research Institute); PubMed 32164556 (cited by Victorian Clinical Genetics Services, Murdoch Childrens Research Institute and Variantyx, Inc.); PubMed 11992261 (cited by Victorian Clinical Genetics Services, Murdoch Childrens Research Institute); PubMed 28084675 (cited by Victorian Clinical Genetics Services, Murdoch Childrens Research Institute and Women's Health and Genetics/Laboratory Corporation of America, LabCorp); PubMed 24935154 (cited by Victorian Clinical Genetics Services, Murdoch Childrens Research Institute); PubMed 18470943 (cited by 3 submitters); PubMed 12325025 (cited by Variantyx, Inc. and Labcorp Genetics (formerly Invitae), Labcorp); PubMed 15928039 (cited by Variantyx, Inc. and Labcorp Genetics (formerly Invitae), Labcorp); PubMed 26242988 (cited by Variantyx, Inc. and Labcorp Genetics (formerly Invitae), Labcorp); PubMed 17020470 (cited by 4 submitters); PubMed 19020799 (cited by 4 submitters); PubMed 35441720 (cited by Variantyx, Inc.); PubMed 31941532 (cited by Variantyx, Inc. and Labcorp Genetics (formerly Invitae), Labcorp); PubMed 23832011 (cited by Labcorp Genetics (formerly Invitae), Labcorp); PubMed 27521173 (cited by Labcorp Genetics (formerly Invitae), Labcorp); PubMed 15834506 (cited by Institute for Genomic Medicine (IGM) Clinical Laboratory, Nationwide Children's Hospital); PubMed 27030275 (cited by Institute for Genomic Medicine (IGM) Clinical Laboratory, Nationwide Children's Hospital); PubMed 28966033 (cited by Institute for Genomic Medicine (IGM) Clinical Laboratory, Nationwide Children's Hospital); PubMed 29763623 (cited by Institute for Genomic Medicine (IGM) Clinical Laboratory, Nationwide Children's Hospital); PubMed 28912153 (cited by Institute for Genomic Medicine (IGM) Clinical Laboratory, Nationwide Children's Hospital); PubMed 35697228 (cited by Institute for Genomic Medicine (IGM) Clinical Laboratory, Nationwide Children's Hospital); PubMed 15385933 (cited by Women's Health and Genetics/Laboratory Corporation of America, LabCorp and Laboratory for Molecular Medicine, Mass General Brigham Personalized Medicine); PubMed 14644997 (cited by Women's Health and Genetics/Laboratory Corporation of America, LabCorp); PubMed 16358218 (cited by Women's Health and Genetics/Laboratory Corporation of America, LabCorp and Laboratory for Molecular Medicine, Mass General Brigham Personalized Medicine); PubMed 22465605 (cited by Women's Health and Genetics/Laboratory Corporation of America, LabCorp); PubMed 25097206 (cited by Women's Health and Genetics/Laboratory Corporation of America, LabCorp); PubMed 19047918 (cited by Women's Health and Genetics/Laboratory Corporation of America, LabCorp); PubMed 17972951 (cited by Women's Health and Genetics/Laboratory Corporation of America, LabCorp); PubMed 15710330 (cited by Women's Health and Genetics/Laboratory Corporation of America, LabCorp); PubMed 25395418 (cited by Women's Health and Genetics/Laboratory Corporation of America, LabCorp); PubMed 27276561 (cited by Women's Health and Genetics/Laboratory Corporation of America, LabCorp); PubMed 27069254 (cited by Women's Health and Genetics/Laboratory Corporation of America, LabCorp); PubMed 17910045 (cited by Laboratory for Molecular Medicine, Mass General Brigham Personalized Medicine); PubMed 16115145 (cited by Laboratory for Molecular Medicine, Mass General Brigham Personalized Medicine); DOI doi/10.1002/pd.6151 (cited by Prenatal Genetic Diagnosis Laboratory, The Chinese University of Hong Kong).